The following is an entry in ClinVar:

ClinVar aggregate classification (germline): Uncertain significance (1 of 4 stars; one submission).

Submission:

Labcorp Genetics (formerly Invitae), Labcorp
Classification: Uncertain significance. Last evaluated: 2022-06-14. Review status: criteria provided, single submitter. Criteria: Invitae Variant Classification Sherloc (09022015). Collection method: clinical testing. Allele origin: germline.
Comment: In summary, the available evidence is currently insufficient to determine the role of this variant in disease. Therefore, it has been classified as a Variant of Uncertain Significance. Algorithms developed to predict the effect of missense changes on protein structure and function (SIFT, PolyPhen-2, Align-GVGD) all suggest that this variant is likely to be disruptive. This variant has not been reported in the literature in individuals affected with SIX6-related conditions. This variant is not present in population databases (gnomAD no frequency). This sequence change replaces tryptophan, which is neutral and slightly polar, with arginine, which is basic and polar, at codon 126 of the SIX6 protein (p.Trp126Arg).

NM_007374.3(SIX6):c.376T>C (p.Trp126Arg)

Genes: C14orf39 (chromosome 14 open reading frame 39; minus strand), SIX6 (SIX homeobox 6; plus strand). Cytogenetic location: 14q23.1.
Variant type: single nucleotide variant.
Coding change: c.376T>C on transcript NM_007374.3 (MANE Select); coding-DNA position 376, T replaced by C.
Protein change: p.Trp126Arg; replaces tryptophan 126 with arginine.
Molecular consequence: missense variant.
Genome position (GRCh38, 1-based): chr14:60,509,774, T>C. VCF-style: chr14-60509774-T-C. GRCh37 (hg19) VCF-style: chr14-60976492-T-C.
Other names: short protein forms W126R.
Identifiers: ClinVar variation 1949417 (VCV001949417.5), dbSNP rs2503605950, ClinGen allele CA390086981.
Genomic context (GRCh38, chr14:60,509,774, plus strand): 5'-CCCCTGGGACCTGTGGACAAGTACCGAGTAAGGAAGAAGTTCCCGCTGCCGCGCACCATT[T>C]GGGACGGCGAACAGAAGACACACTGCTTCAAGGAGCGCACGCGGCACCTGCTACGCGAGT-3'
Protein context (NP_031400.2, residues 116-136): RKKFPLPRTI[Trp126Arg]DGEQKTHCFK